The following is an entry in ClinVar:

NM_182961.4(SYNE1):c.25679A>G (p.His8560Arg)

Gene: SYNE1 (spectrin repeat containing nuclear envelope protein 1; minus strand). Cytogenetic location: 6q25.2.
Variant type: single nucleotide variant.
Coding change: c.25679A>G on transcript NM_182961.4 (MANE Select); coding-DNA position 25679, A replaced by G.
Protein change: p.His8560Arg; replaces histidine 8560 with arginine.
Molecular consequence: missense variant.
Genome position (GRCh38, 1-based): chr6:152,135,213, T>C on the plus strand (A>G on the coding strand, the complement: SYNE1 is on the minus strand). VCF-style: chr6-152135213-T-C. GRCh37 (hg19) VCF-style: chr6-152456348-T-C.
Other names: c.2285A>G, p.His762Arg (NM_001347701.2); c.2213A>G, p.His738Arg (NM_001347702.2); c.25535A>G, p.His8512Arg (NM_033071.5); short protein forms H738R, H8512R, H8560R, H762R.
Identifiers: ClinVar variation 1395753 (VCV001395753.8), dbSNP rs1164254591, ClinGen allele CA366078709.

ClinVar aggregate classification (germline): Uncertain significance (1 of 4 stars; one submission).

Conditions:
Emery-Dreifuss muscular dystrophy 4, autosomal dominant (EDMD4). Also called: EMERY-DREIFUSS MUSCULAR DYSTROPHY 4 WITH VARIABLE FEATURES. Identifiers: Orphanet 261, MedGen C2751807, MONDO:0013071, OMIM 612998.
Autosomal recessive ataxia, Beauce type. Also called: SYNE1-Related Autosomal Recessive Cerebellar Ataxia; Spinocerebellar ataxia, autosomal recessive 8; ATAXIA, RECESSIVE, OF BEAUCE; SYNE1 Deficiency. Identifiers: Orphanet 88644, MedGen C1853116, MONDO:0012549, OMIM 610743.

Allele frequency attached by ClinVar (database versions not stated): TOPMed 0.00001.
gnomAD v4.1: 5 of 1,614,130 alleles (0.00031%); highest among the groups gnomAD compares: African/African-American, 0.0013%; no homozygotes.

Submission:

Labcorp Genetics (formerly Invitae), Labcorp
Classification: Uncertain significance for Emery-Dreifuss muscular dystrophy 4, autosomal dominant; Autosomal recessive ataxia, Beauce type. Last evaluated: 2022-10-17. Review status: criteria provided, single submitter. Criteria: Invitae Variant Classification Sherloc (09022015). Collection method: clinical testing. Allele origin: germline.
Comment: ClinVar contains an entry for this variant (Variation ID: 1395753). This sequence change replaces histidine, which is basic and polar, with arginine, which is basic and polar, at codon 8512 of the SYNE1 protein (p.His8512Arg). This variant is not present in population databases (gnomAD no frequency). This variant has not been reported in the literature in individuals affected with SYNE1-related conditions. Algorithms developed to predict the effect of missense changes on protein structure and function are either unavailable or do not agree on the potential impact of this missense change (SIFT: "Deleterious"; PolyPhen-2: "Probably Damaging"; Align-GVGD: "Class C0"). In summary, the available evidence is currently insufficient to determine the role of this variant in disease. Therefore, it has been classified as a Variant of Uncertain Significance.